The following is an entry in ClinVar:

NM_024570.4(RNASEH2B):c.132T>A (p.Cys44Ter)

Gene: RNASEH2B (ribonuclease H2 subunit B; plus strand). Cytogenetic location: 13q14.3.
Variant type: single nucleotide variant.
Coding change: c.132T>A on transcript NM_024570.4 (MANE Select); coding-DNA position 132, T replaced by A.
Protein change: p.Cys44Ter; replaces cysteine 44 with a stop codon.
Molecular consequence: nonsense.
Genome position (GRCh38, 1-based): chr13:50,927,474, T>A. VCF-style: chr13-50927474-T-A. GRCh37 (hg19) VCF-style: chr13-51501610-T-A.
Other names: c.132T>A, p.Cys44Ter (NM_001142279.2); short protein forms C44*.
Identifiers: ClinVar variation 1071567 (VCV001071567.12), dbSNP rs74876702, ClinGen allele CA6985446.

ClinVar aggregate classification (germline): Pathogenic. Review status: criteria provided, multiple submitters, no conflicts (2 of 4 stars). 4 submissions from 4 submitters: Pathogenic (4). Last evaluated 2025-05-28.

Conditions:
Aicardi-Goutieres syndrome 2. Identifiers: Orphanet 51, MedGen C3489724, MONDO:0012429, OMIM 610181.
RNASEH2B-related disorder. Also called: RNASEH2B-related condition.

Allele frequency attached by ClinVar (database versions not stated): gnomAD 0.00001; ESP Exome Variant Server 0.00008; TOPMed 0.00002; gnomAD exomes below 0.00001; ExAC 0.00001.
gnomAD v4.1: 10 of 1,582,100 alleles (0.00063%); highest among the groups gnomAD compares: Non-Finnish European, 0.00087%; no homozygotes.

Submissions (4):

Myriad Genetics, Inc.
Classification: Pathogenic for Aicardi-Goutieres syndrome 2. Last evaluated: 2025-05-28. Review status: criteria provided, single submitter. Criteria: Myriad Autosomal Dominant, Autosomal Recessive and X-Linked Classification Criteria (2023). Collection method: clinical testing. Allele origin: unknown.
Comment: NM_024570.3(RNASEH2B):c.132T>A(C44*) is expected to be pathogenic in the context of Aicardi-Goutieres syndrome, RNASEH2B-related. This variant is predicted to lead to an abnormal or absent protein product due to the creation of a premature termination codon in RNASEH2B, a gene where loss-of-function variants are known to be pathogenic. Please note: this variant was assessed in the context of healthy population screening.

Fulgent Genetics
Classification: Pathogenic for Aicardi-Goutieres syndrome 2. Last evaluated: 2024-05-06. Review status: criteria provided, single submitter. Criteria: ACMG Guidelines, 2015. Collection method: clinical testing. Allele origin: germline.

Labcorp Genetics (formerly Invitae), Labcorp
Classification: Pathogenic for Aicardi-Goutieres syndrome 2. Last evaluated: 2024-02-22. Review status: criteria provided, single submitter. Criteria: Invitae Variant Classification Sherloc (09022015). Collection method: clinical testing. Allele origin: germline.
Comment: This sequence change creates a premature translational stop signal (p.Cys44*) in the RNASEH2B gene. It is expected to result in an absent or disrupted protein product. Loss-of-function variants in RNASEH2B are known to be pathogenic (PMID: 17846997). This variant is present in population databases (rs74876702, gnomAD 0.0009%). This premature translational stop signal has been observed in individual(s) with Aicardi-Goutieres syndrome (PMID: 16845400). ClinVar contains an entry for this variant (Variation ID: 1071567). For these reasons, this variant has been classified as Pathogenic.

Blueprint Genetics
Classification: Pathogenic for RNASEH2B-related disorders. Last evaluated: 2022-03-07. Review status: criteria provided, single submitter. Criteria: ACMG Guidelines, 2015. Collection method: clinical testing. Allele origin: germline. Affected: yes. Observed: 1 variant allele.

Literature cited by the submitters: PubMed 17846997 (cited by Labcorp Genetics (formerly Invitae), Labcorp); PubMed 16845400 (cited by Labcorp Genetics (formerly Invitae), Labcorp).